The following is an entry in ClinVar:

NM_000057.4(BLM):c.716A>T (p.Asp239Val)

Gene: BLM (BLM RecQ like helicase; plus strand). Cytogenetic location: 15q26.1.
Variant type: single nucleotide variant.
Coding change: c.716A>T on transcript NM_000057.4 (MANE Select); coding-DNA position 716, A replaced by T.
Protein change: p.Asp239Val; replaces aspartic acid 239 with valine.
Molecular consequence: missense variant. On other transcripts: 5 prime UTR variant (1).
Genome position (GRCh38, 1-based): chr15:90,749,984, A>T. VCF-style: chr15-90749984-A-T. GRCh37 (hg19) VCF-style: chr15-91293214-A-T.
Other names: c.716A>T, p.Asp239Val (NM_001287246.2, NM_001287247.2); c.-576A>T (NM_001287248.2); short protein forms D239V.
Identifiers: ClinVar variation 949913 (VCV000949913.9), dbSNP rs751699247, ClinGen allele CA393841407.
Genomic context (GRCh38, chr15:90,749,984, plus strand): 5'-ATTTGACTGAGGAACAGAAGGATGACTCAGAATGGTTAAGCAGCGATGTGATTTGCATCG[A>T]TGATGGCCCCATTGCTGAAGTGCATATAAATGAAGATGCTCAGGAAAGTGACTCTCTGAA-3'
Protein context (NP_000048.1, residues 229-249): EWLSSDVICI[Asp239Val]DGPIAEVHIN

ClinVar aggregate classification (germline): Uncertain significance. Review status: criteria provided, multiple submitters, no conflicts (2 of 4 stars). 2 submissions from 2 submitters: Uncertain significance (2). Last evaluated 2024-08-13.

Conditions:
Bloom syndrome (BLM). Also called: Bloom-Torre-Machacek syndrome. Identifiers: Orphanet 125, MedGen C0005859, MONDO:0008876, OMIM 210900.
Hereditary cancer-predisposing syndrome. Also called: Tumor predisposition; Hereditary neoplastic syndrome; Neoplastic Syndromes, Hereditary; Hereditary Cancer Syndrome. Identifiers: Orphanet 140162, MedGen C0027672, MeSH D009386, MONDO:0015356.

gnomAD v4.1: 3 of 1,614,238 alleles (0.00019%); highest among the groups gnomAD compares: Non-Finnish European, 0.00025%; no homozygotes.

Submissions (2):

Labcorp Genetics (formerly Invitae), Labcorp
Classification: Uncertain significance for Bloom syndrome. Last evaluated: 2024-08-13. Review status: criteria provided, single submitter. Criteria: Invitae Variant Classification Sherloc (09022015). Collection method: clinical testing. Allele origin: germline.
Comment: This sequence change replaces aspartic acid, which is acidic and polar, with valine, which is neutral and non-polar, at codon 239 of the BLM protein (p.Asp239Val). This variant is not present in population databases (gnomAD no frequency). This variant has not been reported in the literature in individuals affected with BLM-related conditions. ClinVar contains an entry for this variant (Variation ID: 949913). An algorithm developed to predict the effect of missense changes on protein structure and function (PolyPhen-2) suggests that this variant is likely to be disruptive. In summary, the available evidence is currently insufficient to determine the role of this variant in disease. Therefore, it has been classified as a Variant of Uncertain Significance.

Ambry Genetics
Classification: Uncertain significance for Hereditary cancer-predisposing syndrome. Last evaluated: 2024-02-25. Review status: criteria provided, single submitter. Criteria: Ambry Variant Classification Scheme 2023. Collection method: clinical testing. Allele origin: germline.
Comment: The p.D239V variant (also known as c.716A>T), located in coding exon 2 of the BLM gene, results from an A to T substitution at nucleotide position 716. The aspartic acid at codon 239 is replaced by valine, an amino acid with highly dissimilar properties. This amino acid position is well conserved in available vertebrate species. In addition, the in silico prediction for this alteration is inconclusive. Since supporting evidence is limited at this time, the clinical significance of this alteration remains unclear.